The following is an entry in ClinVar:

ClinVar aggregate classification (germline): Likely pathogenic (1 of 4 stars; one submission).

Conditions:
Hypertrophic cardiomyopathy. Also called: HYPERTROPHIC MYOCARDIOPATHY. Identifiers: Orphanet 217569, MedGen C0007194, MeSH D002312, MONDO:0005045, HP:0001639.

Submission:

Labcorp Genetics (formerly Invitae), Labcorp
Classification: Likely pathogenic for Hypertrophic cardiomyopathy. Last evaluated: 2023-04-05. Review status: criteria provided, single submitter. Criteria: Invitae Variant Classification Sherloc (09022015). Collection method: clinical testing. Allele origin: germline.
Comment: This sequence change replaces glutamic acid, which is acidic and polar, with alanine, which is neutral and non-polar, at codon 54 of the TPM1 protein (p.Glu54Ala). In summary, the currently available evidence indicates that the variant is pathogenic, but additional data are needed to prove that conclusively. Therefore, this variant has been classified as Likely Pathogenic. An algorithm developed to predict the effect of missense changes on protein structure and function (PolyPhen-2) suggests that this variant is likely to be disruptive. This missense change has been observed in individual(s) with left ventricular noncompaction (Invitae). In at least one individual the variant was observed to be de novo. This variant is not present in population databases (gnomAD no frequency).

NM_001018005.2(TPM1):c.161A>C (p.Glu54Ala)

Gene: TPM1 (tropomyosin 1; plus strand). Cytogenetic location: 15q22.2.
Variant type: single nucleotide variant.
Coding change: c.161A>C on transcript NM_001018005.2 (MANE Select); coding-DNA position 161, A replaced by C.
Protein change: p.Glu54Ala; replaces glutamic acid 54 with alanine.
Molecular consequence: missense variant. On other transcripts: non-coding transcript variant (12), intron variant (10).
Genome position (GRCh38, 1-based): chr15:63,044,073, A>C. VCF-style: chr15-63044073-A-C. GRCh37 (hg19) VCF-style: chr15-63336272-A-C.
Other names: c.161A>C, p.Glu54Ala (NM_001407327.1, NM_001407330.1, NM_001407337.1 and 10 more transcripts); c.287A>C, p.Glu96Ala (NM_001407323.1, NM_001407324.1, NM_001365778.1 and 1 more transcripts); c.240+242A>C (NM_001407336.1, NM_001018020.2, NM_001407338.1 and 7 more transcripts); short protein forms E96A, E54A.
Identifiers: ClinVar variation 2834088 (VCV002834088.3), dbSNP rs2542431791, ClinGen allele CA392718574.